The following is an entry in ClinVar:

ClinVar aggregate classification (germline): Uncertain significance. Review status: criteria provided, multiple submitters, no conflicts (2 of 4 stars). 2 submissions from 2 submitters: Uncertain significance (2). Last evaluated 2022-10-24.

Conditions:
Ataxia-telangiectasia syndrome (AT). Also called: AT, COMPLEMENTATION GROUP C; Cerebello-oculocutaneous telangiectasia; Immunodeficiency with ataxia telangiectasia; Ataxia-telangiectasia, complementation group D; ATAXIA-TELANGIECTASIA, FRESNO VARIANT; Ataxia-telangiectasia, complementation group E. Identifiers: Orphanet 100, MedGen C0004135, MONDO:0008840, OMIM 208900.
Hereditary cancer-predisposing syndrome. Also called: Hereditary neoplastic syndrome; Neoplastic Syndromes, Hereditary; Hereditary Cancer Syndrome; Tumor predisposition. Identifiers: Orphanet 140162, MedGen C0027672, MeSH D009386, MONDO:0015356.

Submissions (2):

Ambry Genetics
Classification: Uncertain significance for Hereditary cancer-predisposing syndrome. Last evaluated: 2022-10-24. Review status: criteria provided, single submitter. Criteria: Ambry Variant Classification Scheme 2023. Collection method: clinical testing. Allele origin: germline.
Comment: The p.P1680A variant (also known as c.5038C>G), located in coding exon 33 of the ATM gene, results from a C to G substitution at nucleotide position 5038. The proline at codon 1680 is replaced by alanine, an amino acid with highly similar properties. This amino acid position is conserved. In addition, the in silico prediction for this alteration is inconclusive. Since supporting evidence is limited at this time, the clinical significance of this alteration remains unclear.

Labcorp Genetics (formerly Invitae), Labcorp
Classification: Uncertain significance for Ataxia-telangiectasia syndrome. Last evaluated: 2022-08-16. Review status: criteria provided, single submitter. Criteria: Invitae Variant Classification Sherloc (09022015). Collection method: clinical testing. Allele origin: germline.
Comment: ClinVar contains an entry for this variant (Variation ID: 573221). Advanced modeling of protein sequence and biophysical properties (such as structural, functional, and spatial information, amino acid conservation, physicochemical variation, residue mobility, and thermodynamic stability) performed at Invitae indicates that this missense variant is not expected to disrupt ATM protein function. In summary, the available evidence is currently insufficient to determine the role of this variant in disease. Therefore, it has been classified as a Variant of Uncertain Significance. This variant has not been reported in the literature in individuals affected with ATM-related conditions. This sequence change replaces proline, which is neutral and non-polar, with alanine, which is neutral and non-polar, at codon 1680 of the ATM protein (p.Pro1680Ala). This variant is not present in population databases (gnomAD no frequency).

NM_000051.4(ATM):c.5038C>G (p.Pro1680Ala)

Gene: ATM (ATM serine/threonine kinase; plus strand). Cytogenetic location: 11q22.3.
Variant type: single nucleotide variant.
Coding change: c.5038C>G on transcript NM_000051.4 (MANE Select); coding-DNA position 5038, C replaced by G.
Protein change: p.Pro1680Ala; replaces proline 1680 with alanine.
Molecular consequence: missense variant.
Genome position (GRCh38, 1-based): chr11:108,299,746, C>G. VCF-style: chr11-108299746-C-G. GRCh37 (hg19) VCF-style: chr11-108170473-C-G.
Other names: c.5038C>G, p.Pro1680Ala (NM_001351834.2); short protein forms P1680A.
Identifiers: ClinVar variation 573221 (VCV000573221.9), dbSNP rs1565473572, ClinGen allele CA382540335.